The following is an entry in ClinVar:

NM_004304.5(ALK):c.1709A>C (p.Glu570Ala)

Gene: ALK (ALK receptor tyrosine kinase; minus strand). Cytogenetic location: 2p23.2.
Variant type: single nucleotide variant.
Coding change: c.1709A>C on transcript NM_004304.5 (MANE Select); coding-DNA position 1709, A replaced by C.
Protein change: p.Glu570Ala; replaces glutamic acid 570 with alanine.
Molecular consequence: missense variant.
Genome position (GRCh38, 1-based): chr2:29,296,996, T>G on the plus strand (A>C on the coding strand, the complement: ALK is on the minus strand). VCF-style: chr2-29296996-T-G. GRCh37 (hg19) VCF-style: chr2-29519862-T-G.
Other names: short protein forms E570A.
Identifiers: ClinVar variation 1359097 (VCV001359097.8), dbSNP rs1666205563, ClinGen allele CA346466405.

ClinVar aggregate classification (germline): Uncertain significance (1 of 4 stars; one submission).

Conditions:
Neuroblastoma, susceptibility to, 3. Also called: ALK-Related Neuroblastic Tumor Susceptibility. Identifiers: Orphanet 635, MedGen C2751681, MONDO:0013083, OMIM 613014.

Submission:

Labcorp Genetics (formerly Invitae), Labcorp
Classification: Uncertain significance for Neuroblastoma, susceptibility to, 3. Last evaluated: 2024-12-12. Review status: criteria provided, single submitter. Criteria: Invitae Variant Classification Sherloc (09022015). Collection method: clinical testing. Allele origin: germline.
Comment: This sequence change replaces glutamic acid, which is acidic and polar, with alanine, which is neutral and non-polar, at codon 570 of the ALK protein (p.Glu570Ala). This variant is not present in population databases (gnomAD no frequency). This variant has not been reported in the literature in individuals affected with ALK-related conditions. ClinVar contains an entry for this variant (Variation ID: 1359097). An algorithm developed to predict the effect of missense changes on protein structure and function (PolyPhen-2) suggests that this variant is likely to be disruptive. In summary, the available evidence is currently insufficient to determine the role of this variant in disease. Therefore, it has been classified as a Variant of Uncertain Significance.